The following is an entry in ClinVar:

ClinVar aggregate classification (germline): Uncertain significance (1 of 4 stars; one submission).

Submission:

Labcorp Genetics (formerly Invitae), Labcorp
Classification: Uncertain significance. Last evaluated: 2023-06-16. Review status: criteria provided, single submitter. Criteria: Invitae Variant Classification Sherloc (09022015). Collection method: clinical testing. Allele origin: germline.
Comment: This variant has not been reported in the literature in individuals affected with CFB-related conditions. The frequency data for this variant in the population databases is considered unreliable, as metrics indicate poor data quality at this position in the gnomAD database. This sequence change replaces serine, which is neutral and polar, with arginine, which is basic and polar, at codon 6 of the CFB protein (p.Ser6Arg). ClinVar contains an entry for this variant (Variation ID: 1972195). In summary, the available evidence is currently insufficient to determine the role of this variant in disease. Therefore, it has been classified as a Variant of Uncertain Significance. An algorithm developed to predict the effect of missense changes on protein structure and function (PolyPhen-2) suggests that this variant is likely to be tolerated.

NM_001710.6(CFB):c.18C>A (p.Ser6Arg)

Gene: CFB (complement factor B; plus strand). Cytogenetic location: 6p21.33.
Variant type: single nucleotide variant.
Coding change: c.18C>A on transcript NM_001710.6 (MANE Select); coding-DNA position 18, C replaced by A.
Protein change: p.Ser6Arg; replaces serine 6 with arginine.
Molecular consequence: missense variant.
Genome position (GRCh38, 1-based): chr6:31,946,239, C>A. VCF-style: chr6-31946239-C-A. GRCh37 (hg19) VCF-style: chr6-31914016-C-A.
Other names: short protein forms S6R.
Identifiers: ClinVar variation 1972195 (VCV001972195.5), dbSNP rs771789056, ClinGen allele CA363387289.
Genomic context (GRCh38, chr6:31,946,239, plus strand): 5'-CCATCCTGCCCCAGGCCCAGCTTCTCTCCTGCCTTCCAACGCCATGGGGAGCAATCTCAG[C>A]CCCCAACTCTGCCTGATGCCCTTTATCTTGGGCCTCTTGTCTGGAGGTAAGCGAGGGTAA-3'
Protein context (NP_001701.2, residues 1-16): MGSNL[Ser6Arg]PQLCLMPFIL